The following is an entry in ClinVar:

NM_000051.4(ATM):c.1692T>G (p.Cys564Trp)

Gene: ATM (ATM serine/threonine kinase; plus strand). Cytogenetic location: 11q22.3.
Variant type: single nucleotide variant.
Coding change: c.1692T>G on transcript NM_000051.4 (MANE Select); coding-DNA position 1692, T replaced by G.
Protein change: p.Cys564Trp; replaces cysteine 564 with tryptophan.
Molecular consequence: missense variant.
Genome position (GRCh38, 1-based): chr11:108,251,921, T>G. VCF-style: chr11-108251921-T-G. GRCh37 (hg19) VCF-style: chr11-108122648-T-G.
Other names: c.1692T>G, p.Cys564Trp (NM_001351834.2); short protein forms C564W.
Identifiers: ClinVar variation 2841923 (VCV002841923.3), dbSNP rs886039644, ClinGen allele CA382535215.

ClinVar aggregate classification (germline): Uncertain significance (1 of 4 stars; one submission).

Conditions:
Ataxia-telangiectasia syndrome (AT). Also called: Cerebello-oculocutaneous telangiectasia; Immunodeficiency with ataxia telangiectasia; Ataxia-telangiectasia, complementation group E; Ataxia-telangiectasia, complementation group D; LOUIS-BAR SYNDROME; AT, COMPLEMENTATION GROUP C. Identifiers: Orphanet 100, MedGen C0004135, MONDO:0008840, OMIM 208900.

Submission:

Labcorp Genetics (formerly Invitae), Labcorp
Classification: Uncertain significance for Ataxia-telangiectasia syndrome. Last evaluated: 2023-03-01. Review status: criteria provided, single submitter. Criteria: Invitae Variant Classification Sherloc (09022015). Collection method: clinical testing. Allele origin: germline.
Comment: This sequence change replaces cysteine, which is neutral and slightly polar, with tryptophan, which is neutral and slightly polar, at codon 564 of the ATM protein (p.Cys564Trp). This variant is not present in population databases (gnomAD no frequency). This variant has not been reported in the literature in individuals affected with ATM-related conditions. An algorithm developed to predict the effect of missense changes on protein structure and function (PolyPhen-2) suggests that this variant is likely to be tolerated. In summary, the available evidence is currently insufficient to determine the role of this variant in disease. Therefore, it has been classified as a Variant of Uncertain Significance.